The following is an entry in ClinVar:

ClinVar aggregate classification (germline): Uncertain significance (1 of 4 stars; one submission).

Allele frequency attached by ClinVar (database versions not stated): ExAC 0.00001; gnomAD exomes 0.00001.
gnomAD v4.1: 3 of 1,613,964 alleles (0.00019%); highest among the groups gnomAD compares: East Asian, 0.0045%; no homozygotes.

Submission:

Labcorp Genetics (formerly Invitae), Labcorp
Classification: Uncertain significance. Last evaluated: 2023-01-24. Review status: criteria provided, single submitter. Criteria: Invitae Variant Classification Sherloc (09022015). Collection method: clinical testing. Allele origin: germline.
Comment: In summary, the available evidence is currently insufficient to determine the role of this variant in disease. Therefore, it has been classified as a Variant of Uncertain Significance. Advanced modeling of protein sequence and biophysical properties (such as structural, functional, and spatial information, amino acid conservation, physicochemical variation, residue mobility, and thermodynamic stability) performed at Invitae indicates that this missense variant is expected to disrupt MYO7A protein function. This variant has not been reported in the literature in individuals affected with MYO7A-related conditions. This variant is present in population databases (rs781955330, gnomAD 0.0009%). This sequence change replaces tyrosine, which is neutral and polar, with cysteine, which is neutral and slightly polar, at codon 142 of the MYO7A protein (p.Tyr142Cys).

NM_000260.4(MYO7A):c.425A>G (p.Tyr142Cys)

Gene: MYO7A (myosin VIIA; plus strand). Cytogenetic location: 11q13.5.
Variant type: single nucleotide variant.
Coding change: c.425A>G on transcript NM_000260.4 (MANE Select); coding-DNA position 425, A replaced by G.
Protein change: p.Tyr142Cys; replaces tyrosine 142 with cysteine.
Molecular consequence: missense variant.
Genome position (GRCh38, 1-based): chr11:77,156,046, A>G. VCF-style: chr11-77156046-A-G. GRCh37 (hg19) VCF-style: chr11-76867092-A-G.
Other names: c.425A>G, p.Tyr142Cys (NM_001127180.2); c.392A>G, p.Tyr131Cys (NM_001369365.1); short protein forms Y142C, Y131C.
Identifiers: ClinVar variation 3023637 (VCV003023637.3), dbSNP rs781955330, ClinGen allele CA6197123.